The following is an entry in ClinVar:

ClinVar aggregate classification (germline): Uncertain significance (1 of 4 stars; one submission).

Conditions:
Werner syndrome (WRN). Identifiers: Orphanet 902, MedGen C0043119, MONDO:0010196, OMIM 277700.

Submission:

Labcorp Genetics (formerly Invitae), Labcorp
Classification: Uncertain significance for Werner syndrome. Last evaluated: 2019-03-25. Review status: criteria provided, single submitter. Criteria: Invitae Variant Classification Sherloc (09022015). Collection method: clinical testing. Allele origin: germline.
Comment: This sequence change replaces alanine with valine at codon 616 of the WRN protein (p.Ala616Val). The alanine residue is moderately conserved and there is a small physicochemical difference between alanine and valine. This variant is not present in population databases (ExAC no frequency). In summary, the available evidence is currently insufficient to determine the role of this variant in disease. Therefore, it has been classified as a Variant of Uncertain Significance. Algorithms developed to predict the effect of missense changes on protein structure and function are either unavailable or do not agree on the potential impact of this missense change (SIFT: "Deleterious"; PolyPhen-2: "Possibly Damaging"; Align-GVGD: "Class C0"). This variant has not been reported in the literature in individuals with WRN-related conditions.

NM_000553.6(WRN):c.1847C>T (p.Ala616Val)

Gene: WRN (WRN RecQ like helicase; plus strand). Cytogenetic location: 8p12.
Variant type: single nucleotide variant.
Coding change: c.1847C>T on transcript NM_000553.6 (MANE Select); coding-DNA position 1847, C replaced by T.
Protein change: p.Ala616Val; replaces alanine 616 with valine.
Molecular consequence: missense variant.
Genome position (GRCh38, 1-based): chr8:31,091,847, C>T. VCF-style: chr8-31091847-C-T. GRCh37 (hg19) VCF-style: chr8-30949363-C-T.
Other names: short protein forms A616V.
Identifiers: ClinVar variation 835329 (VCV000835329.5), dbSNP rs1813758509, ClinGen allele CA370928387.
Genomic context (GRCh38, chr8:31,091,847, plus strand): 5'-TAATGTGTACATGGTGCCAGAATATTTGTTTTTCTTCTTATAGAATGTCCAACATCCCAG[C>T]TTGCTTCCTTGGATCAGCACAGTCAGAAAATGTTCTAACAGATATTAAATTGTGAGTAAT-3'
Protein context (NP_000544.2, residues 606-626): VLQLKMSNIP[Ala616Val]CFLGSAQSEN